The following is an entry in ClinVar:

NM_001329943.3(KIAA0586):c.2411A>T (p.Glu804Val)

Gene: KIAA0586 (KIAA0586; plus strand). Cytogenetic location: 14q23.1.
Variant type: single nucleotide variant.
Coding change: c.2411A>T on transcript NM_001329943.3 (MANE Select); coding-DNA position 2411, A replaced by T.
Protein change: p.Glu804Val; replaces glutamic acid 804 with valine.
Molecular consequence: missense variant.
Genome position (GRCh38, 1-based): chr14:58,467,891, A>T. VCF-style: chr14-58467891-A-T. GRCh37 (hg19) VCF-style: chr14-58934609-A-T.
Other names: c.2411A>T, p.Glu804Val (NM_001329944.2, NM_001329946.2, NM_001329947.2); c.2156A>T, p.Glu719Val (NM_001329945.2, NM_001364700.1, NM_001364701.2 and 1 more transcripts); c.2183A>T, p.Glu728Val (NM_014749.5); c.2570A>T, p.Glu857Val (NM_001244189.2); c.2366A>T, p.Glu789Val (NM_001244190.2); c.2279A>T, p.Glu760Val (NM_001244192.2); c.1991A>T, p.Glu664Val (NM_001244193.2); short protein forms E789V, E857V, E804V, E728V, E760V, E664V, E719V.
Identifiers: ClinVar variation 1359507 (VCV001359507.8), dbSNP rs1302610013, ClinGen allele CA389875472.

ClinVar aggregate classification (germline): Uncertain significance (1 of 4 stars; one submission).

Conditions:
Joubert syndrome 23 (JBTS23). Identifiers: Orphanet 475, MedGen C4084822, MONDO:0014664, OMIM 616490.
Short-rib thoracic dysplasia 14 with polydactyly (SRTD14). Identifiers: Orphanet 397715, MedGen C4225286, MONDO:0014688, OMIM 616546.

Submission:

Labcorp Genetics (formerly Invitae), Labcorp
Classification: Uncertain significance for Joubert syndrome 23; Short-rib thoracic dysplasia 14 with polydactyly. Last evaluated: 2021-05-25. Review status: criteria provided, single submitter. Criteria: Invitae Variant Classification Sherloc (09022015). Collection method: clinical testing. Allele origin: germline.
Comment: In summary, the available evidence is currently insufficient to determine the role of this variant in disease. Therefore, it has been classified as a Variant of Uncertain Significance. Algorithms developed to predict the effect of missense changes on protein structure and function are either unavailable or do not agree on the potential impact of this missense change (SIFT: "Deleterious"; PolyPhen-2: "Probably Damaging"; Align-GVGD: "Class C0"). This variant has not been reported in the literature in individuals with KIAA0586-related conditions. This variant is not present in population databases (ExAC no frequency). This sequence change replaces glutamic acid with valine at codon 857 of the KIAA0586 protein (p.Glu857Val). The glutamic acid residue is highly conserved and there is a moderate physicochemical difference between glutamic acid and valine.